The following is an entry in ClinVar:

ClinVar aggregate classification (germline): Uncertain significance (1 of 4 stars; one submission).

gnomAD v4.1: 2 of 1,571,908 alleles (0.00013%); highest among the groups gnomAD compares: South Asian, 0.0023%; no homozygotes.

Submission:

GeneDx
Classification: Uncertain significance. Last evaluated: 2024-02-20. Review status: criteria provided, single submitter. Criteria: GeneDx Variant Classification Process June 2021. Collection method: clinical testing. Allele origin: germline. Affected: yes.
Comment: Not observed at significant frequency in large population cohorts (gnomAD); In silico analysis supports that this missense variant does not alter protein structure/function; Has not been previously published as pathogenic or benign to our knowledge

NM_001206999.2(CIT):c.1276G>C (p.Gly426Arg)

Gene: CIT (citron rho-interacting serine/threonine kinase; minus strand). Cytogenetic location: 12q24.23.
Variant type: single nucleotide variant.
Coding change: c.1276G>C on transcript NM_001206999.2 (MANE Select); coding-DNA position 1276, G replaced by C.
Protein change: p.Gly426Arg; replaces glycine 426 with arginine.
Molecular consequence: missense variant.
Genome position (GRCh38, 1-based): chr12:119,803,225, C>G on the plus strand (G>C on the coding strand, the complement: CIT is on the minus strand). VCF-style: chr12-119803225-C-G. GRCh37 (hg19) VCF-style: chr12-120241029-C-G.
Other names: c.1276G>C, p.Gly426Arg (NM_007174.3); short protein forms G426R.
Identifiers: ClinVar variation 3369349 (VCV003369349.1).